The following is an entry in ClinVar:

NM_001040151.2(SCN3B):c.584+12G>A

Gene: SCN3B (sodium voltage-gated channel beta subunit 3; minus strand). Cytogenetic location: 11q24.1.
Variant type: single nucleotide variant.
Coding change: c.584+12G>A on transcript NM_001040151.2 (MANE Select); 12 bases into the intron after coding-DNA position 584, G replaced by A.
Molecular consequence: intron variant.
Genome position (GRCh38, 1-based): chr11:123,638,174, C>T on the plus strand (G>A on the coding strand, the complement: SCN3B is on the minus strand). VCF-style: chr11-123638174-C-T. GRCh37 (hg19) VCF-style: chr11-123508882-C-T.
Other names: c.584+12G>A (NM_018400.4).
Identifiers: ClinVar variation 380685 (VCV000380685.1), dbSNP rs1057520882, ClinGen allele CA16606260.

ClinVar aggregate classification (germline): Likely benign (1 of 4 stars; one submission).

Allele frequency attached by ClinVar (database versions not stated): gnomAD exomes below 0.00001.
gnomAD v4.1: 1 of 1,614,040 alleles (0.000062%); highest among the groups gnomAD compares: East Asian, 0.0022%; no homozygotes.

Submission:

GeneDx
Classification: Likely benign. Last evaluated: 2015-10-21. Review status: criteria provided, single submitter. Criteria: GeneDx Variant Classification (06012015). Collection method: clinical testing. Allele origin: germline. Affected: yes.
Comment: This variant is considered likely benign or benign based on one or more of the following criteria: it is a conservative change, it occurs at a poorly conserved position in the protein, it is predicted to be benign by multiple in silico algorithms, and/or has population frequency not consistent with disease.